The following is an entry in ClinVar:

NM_052867.4(NALCN):c.4997A>C (p.Lys1666Thr)

Genes: NALCN (sodium leak channel, non-selective; minus strand), NALCN-AS1 (NALCN antisense RNA 1; plus strand). Cytogenetic location: 13q32.3.
Variant type: single nucleotide variant.
Coding change: c.4997A>C on transcript NM_052867.4 (MANE Select); coding-DNA position 4997, A replaced by C.
Protein change: p.Lys1666Thr; replaces lysine 1666 with threonine.
Molecular consequence: missense variant. On other transcripts: non-coding transcript variant (1).
Genome position (GRCh38, 1-based): chr13:101,057,965, T>G on the plus strand (A>C on the coding strand, the complement: NALCN is on the minus strand). VCF-style: chr13-101057965-T-G. GRCh37 (hg19) VCF-style: chr13-101710317-T-G.
Other names: c.5084A>C, p.Lys1695Thr (NM_001350748.2); c.4997A>C, p.Lys1666Thr (NM_001350749.2); c.4910A>C, p.Lys1637Thr (NM_001350750.2, NM_001350751.2); short protein forms K1637T, K1666T, K1695T.
Identifiers: ClinVar variation 2407899 (VCV002407899.2), dbSNP rs1289587436, ClinGen allele CA388643770.

ClinVar aggregate classification (germline): Uncertain significance (1 of 4 stars; one submission).

Conditions:
Inborn genetic diseases. Identifiers: MedGen C0950123, MeSH D030342.

Allele frequency attached by ClinVar (database versions not stated): TOPMed below 0.00001; gnomAD exomes 0.00001.
gnomAD v4.1: 5 of 1,613,918 alleles (0.00031%); highest among the groups gnomAD compares: Admixed American, 0.0083%; no homozygotes.

Submission:

Ambry Genetics
Classification: Uncertain significance for Inborn genetic diseases. Last evaluated: 2021-04-20. Review status: criteria provided, single submitter. Criteria: Ambry Variant Classification Scheme 2023. Collection method: clinical testing. Allele origin: germline.
Comment: The c.4997A>C (p.K1666T) alteration is located in exon 43 (coding exon 42) of the NALCN gene. This alteration results from an A to C substitution at nucleotide position 4997, causing the lysine (K) at amino acid position 1666 to be replaced by a threonine (T). Based on data from the Genome Aggregation Database (gnomAD) database, the NALCN c.4997A>C alteration was observed in 0.002% (5/251046) of total alleles studied, with a frequency of 0.01% (5/34590) in the Latino subpopulation. The p.K1666 amino acid is conserved in available vertebrate species. The in silico prediction for the p.K1666T alteration is inconclusive. Based on insufficient or conflicting evidence, the clinical significance of this alteration remains unclear.